The following is an entry in ClinVar:

NM_000552.5(VWF):c.4837T>G (p.Ser1613Ala)

Gene: VWF (von Willebrand factor; minus strand). Cytogenetic location: 12p13.31.
Variant type: single nucleotide variant.
Coding change: c.4837T>G on transcript NM_000552.5 (MANE Select); coding-DNA position 4837, T replaced by G.
Protein change: p.Ser1613Ala; replaces serine 1613 with alanine.
Molecular consequence: missense variant.
Genome position (GRCh38, 1-based): chr12:6,018,581, A>C on the plus strand (T>G on the coding strand, the complement: VWF is on the minus strand). VCF-style: chr12-6018581-A-C. GRCh37 (hg19) VCF-style: chr12-6127747-A-C.
Other names: short protein forms S1613A.
Identifiers: ClinVar variation 3362142 (VCV003362142.1).
Genomic context (GRCh38, chr12:6,018,581, plus strand): 5'-TAGGGCCCACTCCAATGGGCACCACCTGGATGTCTCCAGGCAGCCTCTTGATCTCATCAG[A>C]GGCAGGATTTCCGGTGACCATGTAGACCAGGTTGGGCGCCTGCTCCCGGTCACCCTGGCT-3'
Protein context (NP_000543.3, residues 1603-1623): LVYMVTGNPA[Ser1613Ala]DEIKRLPGDI

ClinVar aggregate classification (germline): Uncertain significance (1 of 4 stars; one submission).

Submission:

GeneDx
Classification: Uncertain significance. Last evaluated: 2023-06-02. Review status: criteria provided, single submitter. Criteria: GeneDx Variant Classification Process June 2021. Collection method: clinical testing. Allele origin: germline. Affected: yes.
Comment: Not observed at significant frequency in large population cohorts (gnomAD); In silico analysis supports that this missense variant does not alter protein structure/function; Published functional studies suggest this variant results in impairment of phosphorylation, however additional studies are needed to validate the functional effect of this variant in vivo (Da et al., 2019); This variant is associated with the following publications: (PMID: 30864273)